The following is an entry in ClinVar:

NM_001384140.1(PCDH15):c.215C>A (p.Thr72Asn)

Gene: PCDH15 (protocadherin related 15; minus strand). Cytogenetic location: 10q21.1.
Variant type: single nucleotide variant.
Coding change: c.215C>A on transcript NM_001384140.1 (MANE Select); coding-DNA position 215, C replaced by A.
Protein change: p.Thr72Asn; replaces threonine 72 with asparagine.
Molecular consequence: missense variant.
Genome position (GRCh38, 1-based): chr10:54,378,885, G>T on the plus strand (C>A on the coding strand, the complement: PCDH15 is on the minus strand). VCF-style: chr10-54378885-G-T. GRCh37 (hg19) VCF-style: chr10-56138645-G-T.
Other names: c.230C>A, p.Thr77Asn (NM_001142763.2, NM_001142769.4, NM_001142771.2); c.215C>A, p.Thr72Asn (NM_001142764.2, NM_001142765.2, NM_001142766.2 and 8 more transcripts); c.149C>A, p.Thr50Asn (NM_001142768.2, NM_001142773.2, NM_001354404.2); short protein forms T50N, T72N, T77N.
Identifiers: ClinVar variation 1054973 (VCV001054973.11), dbSNP rs1189952332, ClinGen allele CA376540629.

ClinVar aggregate classification (germline): Uncertain significance. Review status: criteria provided, multiple submitters, no conflicts (2 of 4 stars). 3 submissions from 3 submitters: Uncertain significance (3). Last evaluated 2024-03-15.

Conditions:
Autosomal recessive nonsyndromic hearing loss 23. Identifiers: Orphanet 90636, MedGen C1836027, MONDO:0012293, OMIM 609533.
Usher syndrome type 1D (USH1D). Also called: USHER SYNDROME, TYPE ID. Identifiers: Orphanet 231169, Orphanet 886, MedGen C1832845, MONDO:0010984, OMIM 601067.
Usher syndrome type 1F (USH1F). Also called: USHER SYNDROME, TYPE IF. Identifiers: Orphanet 231169, Orphanet 886, MedGen C1865885, MONDO:0011186, OMIM 602083.

Allele frequency attached by ClinVar (database versions not stated): gnomAD 0.00001.
gnomAD v4.1: 5 of 1,613,564 alleles (0.00031%); highest among the groups gnomAD compares: Non-Finnish European, 0.00042%; no homozygotes.

Submissions (3):

Blueprint Genetics
Classification: Uncertain significance. Last evaluated: 2024-03-15. Review status: criteria provided, single submitter. Criteria: ACMG Guidelines, 2015. Collection method: clinical testing. Allele origin: germline.

Labcorp Genetics (formerly Invitae), Labcorp
Classification: Uncertain significance. Last evaluated: 2022-07-26. Review status: criteria provided, single submitter. Criteria: Invitae Variant Classification Sherloc (09022015). Collection method: clinical testing. Allele origin: germline.
Comment: Algorithms developed to predict the effect of missense changes on protein structure and function are either unavailable or do not agree on the potential impact of this missense change (SIFT: "Tolerated"; PolyPhen-2: "Probably Damaging"; Align-GVGD: "Class C0"). In summary, the available evidence is currently insufficient to determine the role of this variant in disease. Therefore, it has been classified as a Variant of Uncertain Significance. ClinVar contains an entry for this variant (Variation ID: 1054973). This variant has not been reported in the literature in individuals affected with PCDH15-related conditions. This variant is present in population databases (no rsID available, gnomAD 0.007%). This sequence change replaces threonine, which is neutral and polar, with asparagine, which is neutral and polar, at codon 72 of the PCDH15 protein (p.Thr72Asn).

Fulgent Genetics
Classification: Uncertain significance for Usher syndrome type 1D; Usher syndrome type 1F; Autosomal recessive nonsyndromic hearing loss 23. Last evaluated: 2021-07-26. Review status: criteria provided, single submitter. Criteria: ACMG Guidelines, 2015. Collection method: clinical testing. Allele origin: unknown.